The following is an entry in ClinVar:

ClinVar aggregate classification (germline): Pathogenic. Review status: criteria provided, multiple submitters, no conflicts (2 of 4 stars). 3 submissions from 3 submitters: Pathogenic (2). 1 of the submissions does not count toward it. Last evaluated 2021-03-01.

Conditions:
Marfan syndrome (MFS). Also called: MARFAN SYNDROME, TYPE I; FBN1-Related Marfan Syndrome; Marfan syndrome type 1; Marfan's syndrome; Marfan syndrome, classic. Identifiers: Orphanet 284963, Orphanet 558, MedGen C0024796, MONDO:0007947, OMIM 154700.
Familial thoracic aortic aneurysm and aortic dissection (TAAD). Also called: Thoracic aortic aneurysms and dissections. Identifiers: Orphanet 91387, MedGen C4707243, MONDO:0019625.

gnomAD v4.1: 1 of 1,614,164 alleles (0.000062%); no homozygotes.

Submissions (3):

Centre of Medical Genetics, University of Antwerp
Classification: Pathogenic for Marfan syndrome. Last evaluated: 2021-03-01. Review status: criteria provided, single submitter. Criteria: Submitter's publication. Collection method: research. Allele origin: unknown. Affected: yes.
Comment: PM2, PVS1, PP4

Labcorp Genetics (formerly Invitae), Labcorp
Classification: Pathogenic for Marfan syndrome; Familial thoracic aortic aneurysm and aortic dissection. Last evaluated: 2017-10-06. Review status: criteria provided, single submitter. Criteria: Invitae Variant Classification Sherloc (09022015). Collection method: clinical testing. Allele origin: germline.
Comment: For these reasons, this variant has been classified as Pathogenic. Loss-of-function variants in FBN1 are known to be pathogenic. This particular variant has been reported in the literature in an individual with Marfan syndrome (PMID: 21542060). This sequence change creates a premature translational stop signal at codon 2371 (p.Trp2371*) of the FBN1 gene. It is expected to result in an absent or disrupted protein product.

Center for Medical Genetics Ghent, University of Ghent
Classification: Likely pathogenic for Marfan syndrome. Last evaluated: 2017-11-07. Review status: no assertion criteria provided. Collection method: clinical testing. Allele origin: germline. Affected: yes. Not counted in ClinVar's aggregate classification.

Literature cited by the submitters: PubMed 21542060 (cited by Labcorp Genetics (formerly Invitae), Labcorp).

NM_000138.5(FBN1):c.7112G>A (p.Trp2371Ter)

Gene: FBN1 (fibrillin 1; minus strand). Cytogenetic location: 15q21.1.
Variant type: single nucleotide variant.
Coding change: c.7112G>A on transcript NM_000138.5 (MANE Select); coding-DNA position 7112, G replaced by A.
Protein change: p.Trp2371Ter; replaces tryptophan 2371 with a stop codon.
Molecular consequence: nonsense.
Genome position (GRCh38, 1-based): chr15:48,427,659, C>T on the plus strand (G>A on the coding strand, the complement: FBN1 is on the minus strand). VCF-style: chr15-48427659-C-T. GRCh37 (hg19) VCF-style: chr15-48719856-C-T.
Other names: short protein forms W2371*.
Identifiers: ClinVar variation 457257 (VCV000457257.25), dbSNP rs1555394567, ClinGen allele CA392329714.